The following is an entry in ClinVar:

NM_014714.4(IFT140):c.1528A>G (p.Thr510Ala)

Gene: IFT140 (intraflagellar transport 140; minus strand). Cytogenetic location: 16p13.3.
Variant type: single nucleotide variant.
Coding change: c.1528A>G on transcript NM_014714.4 (MANE Select); coding-DNA position 1528, A replaced by G.
Protein change: p.Thr510Ala; replaces threonine 510 with alanine.
Molecular consequence: missense variant.
Genome position (GRCh38, 1-based): chr16:1,571,531, T>C on the plus strand (A>G on the coding strand, the complement: IFT140 is on the minus strand). VCF-style: chr16-1571531-T-C. GRCh37 (hg19) VCF-style: chr16-1621532-T-C.
Other names: short protein forms T510A.
Identifiers: ClinVar variation 2050483 (VCV002050483.4), dbSNP rs931094894, ClinGen allele CA276666161.

ClinVar aggregate classification (germline): Uncertain significance (1 of 4 stars; one submission).

Conditions:
Saldino-Mainzer syndrome (SRTD9). Also called: CONORENAL SYNDROME; Renal dysplasia, retinal pigmentary dystrophy, cerebellar ataxia and skeletal dysplasia; SHORT-RIB THORACIC DYSPLASIA 9 WITHOUT POLYDACTYLY; short-rib thoracic dysplasia 9 with or without polydactyly. Identifiers: Orphanet 140969, MedGen C1849437, MONDO:0009964, OMIM 266920.

Allele frequency attached by ClinVar (database versions not stated): TOPMed below 0.00001.
gnomAD v4.1: 1 of 1,609,506 alleles (0.000062%); no homozygotes.

Submission:

Labcorp Genetics (formerly Invitae), Labcorp
Classification: Uncertain significance for Saldino-Mainzer syndrome. Last evaluated: 2024-02-12. Review status: criteria provided, single submitter. Criteria: Invitae Variant Classification Sherloc (09022015). Collection method: clinical testing. Allele origin: germline.
Comment: This sequence change replaces threonine, which is neutral and polar, with alanine, which is neutral and non-polar, at codon 510 of the IFT140 protein (p.Thr510Ala). This variant is not present in population databases (gnomAD no frequency). This variant has not been reported in the literature in individuals affected with IFT140-related conditions. ClinVar contains an entry for this variant (Variation ID: 2050483). Advanced modeling of protein sequence and biophysical properties (such as structural, functional, and spatial information, amino acid conservation, physicochemical variation, residue mobility, and thermodynamic stability) has been performed at Invitae for this missense variant, however the output from this modeling did not meet the statistical confidence thresholds required to predict the impact of this variant on IFT140 protein function. In summary, the available evidence is currently insufficient to determine the role of this variant in disease. Therefore, it has been classified as a Variant of Uncertain Significance.